The following is an entry in ClinVar:

ClinVar aggregate classification (germline): Pathogenic. Review status: criteria provided, multiple submitters, no conflicts (2 of 4 stars). 4 submissions from 4 submitters: Pathogenic (4). Last evaluated 2023-10-17.

Conditions:
Mucopolysaccharidosis, MPS-IV-A (MPS4A). Also called: Mucopolysaccharidosis type IV A; Mucopolysaccharidosis Type IVA; Morquio syndrome A, mild; MORQUIO SYNDROME A; MPS IVA; mucopolysaccharidosis type 4A. Identifiers: Orphanet 309297, Orphanet 582, MedGen C0086651, MONDO:0009659, OMIM 253000.

Allele frequency attached by ClinVar (database versions not stated): gnomAD 0.00001; TOPMed 0.00001.
gnomAD v4.1: 6 of 1,612,436 alleles (0.00037%); highest among the groups gnomAD compares: Admixed American, 0.0083%; no homozygotes.

Submissions (4):

Labcorp Genetics (formerly Invitae), Labcorp
Classification: Pathogenic for Mucopolysaccharidosis, MPS-IV-A. Last evaluated: 2023-10-17. Review status: criteria provided, single submitter. Criteria: Invitae Variant Classification Sherloc (09022015). Collection method: clinical testing. Allele origin: germline.
Comment: This sequence change affects an acceptor splice site in intron 3 of the GALNS gene. It is expected to disrupt RNA splicing. Variants that disrupt the donor or acceptor splice site typically lead to a loss of protein function (PMID: 16199547), and loss-of-function variants in GALNS are known to be pathogenic (PMID: 12442278). This variant is present in population databases (no rsID available, gnomAD 0.003%). Disruption of this splice site has been observed in individual(s) with mucopolysaccharidosis type IVA (PMID: 23876334, 34387910). ClinVar contains an entry for this variant (Variation ID: 1048189). Algorithms developed to predict the effect of sequence changes on RNA splicing suggest that this variant may disrupt the consensus splice site. For these reasons, this variant has been classified as Pathogenic.

Genome-Nilou Lab
Classification: Pathogenic for Mucopolysaccharidosis, MPS-IV-A. Last evaluated: 2021-11-07. Review status: criteria provided, single submitter. Criteria: ACMG Guidelines, 2015. Collection method: clinical testing. Allele origin: germline. Affected: no.

Revvity Omics, Revvity
Classification: Pathogenic for Mucopolysaccharidosis, MPS-IV-A. Last evaluated: 2021-02-23. Review status: criteria provided, single submitter. Criteria: ACMG Guidelines, 2015. Collection method: clinical testing. Allele origin: germline.

Laboratory of Diagnosis and Therapy of Lysosomal Disorders, University of Padova
Classification: Pathogenic for Mucopolysaccharidosis, MPS-IV-A. Last evaluated: 2021-02-01. Review status: criteria provided, single submitter. Criteria: ACMG Guidelines, 2015. Collection method: research. Allele origin: germline. Affected: yes.
Comment: Splicing variant in canonical site (PVS1_very strong); in vivo functional studies supportive of a damaging effect on the gene product (low to null enzymatic activity in homozygotes; PS3_supporting); the prevalence of the variant in affected individuals is significantly increased compared with the prevalence in controls (PS4_moderate); very low frequency in gnomAD v2.1.1 (PM2_moderate)

Literature cited by the submitters: PubMed 16199547 (cited by Labcorp Genetics (formerly Invitae), Labcorp); PubMed 12442278 (cited by Labcorp Genetics (formerly Invitae), Labcorp); PubMed 23876334 (cited by Labcorp Genetics (formerly Invitae), Labcorp and Laboratory of Diagnosis and Therapy of Lysosomal Disorders, University of Padova); PubMed 34387910 (cited by Labcorp Genetics (formerly Invitae), Labcorp and Laboratory of Diagnosis and Therapy of Lysosomal Disorders, University of Padova).

NM_000512.5(GALNS):c.320-1G>T

Gene: GALNS (galactosamine (N-acetyl)-6-sulfatase; minus strand). Cytogenetic location: 16q24.3.
Variant type: single nucleotide variant.
Coding change: c.320-1G>T on transcript NM_000512.5 (MANE Select); the canonical splice acceptor site of the intron before coding-DNA position 320, G replaced by T.
Molecular consequence: splice acceptor variant.
Genome position (GRCh38, 1-based): chr16:88,841,095, C>A on the plus strand (G>T on the coding strand, the complement: GALNS is on the minus strand). VCF-style: chr16-88841095-C-A. GRCh37 (hg19) VCF-style: chr16-88907503-C-A.
Other names: c.-236-1G>T (NM_001323543.2); c.338-1G>T (NM_001323544.2).
Identifiers: ClinVar variation 1048189 (VCV001048189.17), dbSNP rs1245504167, ClinGen allele CA397088429.